The following is an entry in ClinVar:

ClinVar aggregate classification (germline): Uncertain significance (1 of 4 stars; one submission).

Conditions:
Spondyloepimetaphyseal dysplasia, Missouri type. Identifiers: Orphanet 1040, Orphanet 93356, MedGen C1865832, MONDO:0011198, OMIM 602111.

Submission:

3billion
Classification: Uncertain significance for Spondyloepimetaphyseal dysplasia, Missouri type. Last evaluated: 2022-05-22. Review status: criteria provided, single submitter. Criteria: ACMG Guidelines, 2015. Collection method: clinical testing. Allele origin: germline. Affected: yes. Observed: 1 heterozygote.
Comment: The variant is not observed in the gnomAD v2.1.1 dataset. Missense changes are a common disease-causing mechanism. In silico tool predictions suggest no damaging effect of the variant on gene or gene product (REVEL: 0.35; 3Cnet: 0.05). Therefore, this variant is classified as uncertain significanceaccording to the recommendation of ACMG/AMP guideline.

NM_002427.4(MMP13):c.236T>A (p.Val79Glu)

Genes: MMP13 (matrix metallopeptidase 13; minus strand), LOC126861318 (BRD4-independent group 4 enhancer GRCh37_chr11:102825894-102827093; plus strand). Cytogenetic location: 11q22.2.
Variant type: single nucleotide variant.
Coding change: c.236T>A on transcript NM_002427.4 (MANE Select); coding-DNA position 236, T replaced by A.
Protein change: p.Val79Glu; replaces valine 79 with glutamic acid.
Molecular consequence: missense variant.
Genome position (GRCh38, 1-based): chr11:102,955,378, A>T on the plus strand (T>A on the coding strand, the complement: MMP13 is on the minus strand). VCF-style: chr11-102955378-A-T. GRCh37 (hg19) VCF-style: chr11-102826107-A-T.
Other names: short protein forms V79E.
Identifiers: ClinVar variation 1687544 (VCV001687544.1), dbSNP rs2134523200, ClinGen allele CA382232700.